The following is an entry in ClinVar:

ClinVar aggregate classification (germline): Conflicting classifications of pathogenicity. Review status: criteria provided, conflicting classifications (1 of 4 stars). 3 submissions from 3 submitters: Uncertain significance (2); Likely benign (1). Last evaluated 2024-12-24.

Conditions:
Nonsyndromic genetic hearing loss. Also called: Nonsyndromic hearing loss and deafness; Nonsyndromic genetic deafness; Non-syndromic genetic deafness. Identifiers: Orphanet 87884, MedGen C5680182, MONDO:0019497.
LOXHD1-related disorder. Also called: LOXHD1-related condition.

gnomAD v4.1: 83 of 1,533,770 alleles (0.0054%); highest among the groups gnomAD compares: African/African-American, 0.0028%; no homozygotes.

Submissions (3):

PreventionGenetics, part of Exact Sciences
Classification: Likely benign for LOXHD1-related condition. Last evaluated: 2024-12-24. Review status: criteria provided, single submitter. Criteria: ACMG Guidelines, 2015. Collection method: clinical testing. Allele origin: germline.
Comment: This variant is classified as likely benign based on ACMG/AMP sequence variant interpretation guidelines (Richards et al. 2015 PMID: 25741868, with internal and published modifications).

Blueprint Genetics
Classification: Uncertain significance. Last evaluated: 2024-09-23. Review status: criteria provided, single submitter. Criteria: ACMG Guidelines, 2015. Collection method: clinical testing. Allele origin: germline.

Department of Pathology and Laboratory Medicine, Sinai Health System
Classification: Uncertain significance for nonsyndromic genetic hearing loss. Last evaluated: 2021-02-22. Review status: criteria provided, single submitter. Criteria: ACMG Guidelines, 2015. Collection method: research. Allele origin: germline.

NM_001384474.1(LOXHD1):c.6182A>G (p.Lys2061Arg)

Gene: LOXHD1 (lipoxygenase homology PLAT domains 1; minus strand). Cytogenetic location: 18q21.1.
Variant type: single nucleotide variant.
Coding change: c.6182A>G on transcript NM_001384474.1 (MANE Select); coding-DNA position 6182, A replaced by G.
Protein change: p.Lys2061Arg; replaces lysine 2061 with arginine.
Molecular consequence: missense variant.
Genome position (GRCh38, 1-based): chr18:46,485,019, T>C on the plus strand (A>G on the coding strand, the complement: LOXHD1 is on the minus strand). VCF-style: chr18-46485019-T-C. GRCh37 (hg19) VCF-style: chr18-44064982-T-C.
Other names: c.5996A>G (NM_144612.6); c.2849A>G, p.Lys950Arg (NM_001145472.3); c.899A>G, p.Lys300Arg (NM_001145473.3, NM_001173129.2); c.2561A>G, p.Lys854Arg (NM_001308013.2); c.5996A>G, p.Lys1999Arg (NM_144612.7); short protein forms K1999R, K2061R, K300R, K854R, K950R.
Identifiers: ClinVar variation 3779818 (VCV003779818.3).
Genomic context (GRCh38, chr18:46,485,019, plus strand): 5'-CTCGGGGTCCTCCCTTACCTACCCACCCCCCACCACTTCCCATGGGCCTCCCCTTCCTAC[T>C]TCCTAAAGGCCCGCTGCCTAGAAGAATTTTCCATGAGAAACTCTTTGGATCGGTTCTTCC-3'
Protein context (NP_001371403.1, residues 2051-2071): ENSSRQRAFR[Lys2061Arg]GTTDTFEFDS